The following is an entry in ClinVar:

NM_001110556.2(FLNA):c.5351A>G (p.Asp1784Gly)

Gene: FLNA (filamin A; minus strand). Cytogenetic location: Xq28.
Variant type: single nucleotide variant.
Coding change: c.5351A>G on transcript NM_001110556.2 (MANE Select); coding-DNA position 5351, A replaced by G.
Protein change: p.Asp1784Gly; replaces aspartic acid 1784 with glycine.
Molecular consequence: missense variant.
Genome position (GRCh38, 1-based): chrX:154,354,446, T>C on the plus strand (A>G on the coding strand, the complement: FLNA is on the minus strand). VCF-style: chrX-154354446-T-C. GRCh37 (hg19) VCF-style: chrX-153582814-T-C.
Other names: NC_000023.10:g.153582814T>C; c.5327A>G, p.Asp1776Gly (NM_001456.4); short protein forms D1776G, D1784G.
Identifiers: ClinVar variation 4478426 (VCV004478426.2).

ClinVar aggregate classification (germline): Uncertain significance (1 of 4 stars; one submission).

Conditions:
Heterotopia, periventricular, X-linked dominant (PVNH1). Also called: PERIVENTRICULAR NODULAR HETEROTOPIA 1; X-linked periventricular heterotopia; PERIVENTRICULAR NODULAR HETEROTOPIA 4; HETEROTOPIA, PERIVENTRICULAR, 1. Identifiers: Orphanet 2149, Orphanet 82004, MedGen C1848213, MONDO:0010233, OMIM 300049.
Melnick-Needles syndrome (MNS). Also called: MELNICK-NEEDLES OSTEODYSPLASTY; OSTEODYSPLASTY OF MELNICK AND NEEDLES; Melnick-Needles Syndrome (FLNA-MNS). Identifiers: Orphanet 2484, MedGen C0025237, MONDO:0010650, OMIM 309350.
Oto-palato-digital syndrome, type II (OPD2). Also called: FACIOPALATOOSSEOUS SYNDROME; OPD II SYNDROME; Otopalatodigital Syndrome, Type II; Otopalatodigital Syndrome Type 2 (FLNA-OPD2). Identifiers: Orphanet 669, Orphanet 90652, MedGen C1844696, MONDO:0010571, OMIM 304120.
Frontometaphyseal dysplasia (FMD1). Identifiers: Orphanet 1826, MedGen C0265293, MONDO:0015942.

Submissions (2):

Labcorp Genetics (formerly Invitae), Labcorp
Classification: Uncertain significance for Oto-palato-digital syndrome, type II; Heterotopia, periventricular, X-linked dominant; Frontometaphyseal dysplasia; Melnick-Needles syndrome. Last evaluated: 2025-06-18. Review status: criteria provided, single submitter. Criteria: Invitae Variant Classification Sherloc (09022015). Collection method: clinical testing. Allele origin: germline.
Comment: This sequence change replaces aspartic acid, which is acidic and polar, with glycine, which is neutral and non-polar, at codon 1776 of the FLNA protein (p.Asp1776Gly). This variant is not present in population databases (gnomAD no frequency). This variant has not been reported in the literature in individuals affected with FLNA-related conditions. Invitae Evidence Modeling of protein sequence and biophysical properties (such as structural, functional, and spatial information, amino acid conservation, physicochemical variation, residue mobility, and thermodynamic stability) indicates that this missense variant is not expected to disrupt FLNA protein function with a negative predictive value of 95%. In summary, the available evidence is currently insufficient to determine the role of this variant in disease. Therefore, it has been classified as a Variant of Uncertain Significance.

Dr. Peter K. Rogan Lab, Western University
No classification provided (evidence only). Condition: Nonpapillary renal cell carcinoma. Review status: no classification provided. Collection method: in vitro. Allele origin: not applicable. Functional consequence: retained intron. Not counted in ClinVar's aggregate classification.